The following is an entry in ClinVar:

NM_024580.6(EFL1):c.1301C>A (p.Thr434Asn)

Gene: EFL1 (elongation factor like GTPase 1; minus strand). Cytogenetic location: 15q25.2.
Variant type: single nucleotide variant.
Coding change: c.1301C>A on transcript NM_024580.6 (MANE Select); coding-DNA position 1301, C replaced by A.
Protein change: p.Thr434Asn; replaces threonine 434 with asparagine.
Molecular consequence: missense variant. On other transcripts: non-coding transcript variant (1).
Genome position (GRCh38, 1-based): chr15:82,220,221, G>T on the plus strand (C>A on the coding strand, the complement: EFL1 is on the minus strand). VCF-style: chr15-82220221-G-T. GRCh37 (hg19) VCF-style: chr15-82512562-G-T.
Other names: c.1148C>A, p.Thr383Asn (NM_001040610.3); c.512C>A, p.Thr171Asn (NM_001322844.2); c.1301C>A, p.Thr434Asn (NM_001322845.2); short protein forms T383N, T171N, T434N.
Identifiers: ClinVar variation 1954732 (VCV001954732.5), dbSNP rs755001666, ClinGen allele CA7698013.
Genomic context (GRCh38, chr15:82,220,221, plus strand): 5'-GCAAGCTTCTCTGCATGCCTTTGTCTTGCACGCTCACGTCTCTGAGCAATTTCTTCTTGA[G>T]TGAGAGGCCTACAGGATATCACAAATATGCTGTCATCTCTCAGTTCATCCAAGTAGGGAA-3'
Protein context (NP_078856.4, residues 424-444): ALPQNKPRPL[Thr434Asn]QEEIAQRRER

ClinVar aggregate classification (germline): Uncertain significance (1 of 4 stars; one submission).

Allele frequency attached by ClinVar (database versions not stated): gnomAD exomes 0.00002; ExAC 0.00004.

Submission:

Labcorp Genetics (formerly Invitae), Labcorp
Classification: Uncertain significance. Last evaluated: 2024-02-24. Review status: criteria provided, single submitter. Criteria: Invitae Variant Classification Sherloc (09022015). Collection method: clinical testing. Allele origin: germline.
Comment: This sequence change replaces threonine, which is neutral and polar, with asparagine, which is neutral and polar, at codon 434 of the EFL1 protein (p.Thr434Asn). This variant is present in population databases (rs755001666, gnomAD 0.02%). This variant has not been reported in the literature in individuals affected with EFL1-related conditions. ClinVar contains an entry for this variant (Variation ID: 1954732). Advanced modeling of protein sequence and biophysical properties (such as structural, functional, and spatial information, amino acid conservation, physicochemical variation, residue mobility, and thermodynamic stability) performed at Invitae indicates that this missense variant is not expected to disrupt EFL1 protein function with a negative predictive value of 80%. In summary, the available evidence is currently insufficient to determine the role of this variant in disease. Therefore, it has been classified as a Variant of Uncertain Significance.